The following is an entry in ClinVar:

ClinVar aggregate classification (germline): Uncertain significance (1 of 4 stars; one submission).

Submission:

Labcorp Genetics (formerly Invitae), Labcorp
Classification: Uncertain significance. Last evaluated: 2022-04-28. Review status: criteria provided, single submitter. Criteria: Invitae Variant Classification Sherloc (09022015). Collection method: clinical testing. Allele origin: germline.
Comment: In summary, the available evidence is currently insufficient to determine the role of this variant in disease. Therefore, it has been classified as a Variant of Uncertain Significance. Algorithms developed to predict the effect of missense changes on protein structure and function output the following: SIFT: "Tolerated"; PolyPhen-2: "Benign"; Align-GVGD: "Class C0". The threonine amino acid residue is found in multiple mammalian species, which suggests that this missense change does not adversely affect protein function. This variant has not been reported in the literature in individuals affected with PCSK1-related conditions. This variant is not present in population databases (gnomAD no frequency). This sequence change replaces isoleucine, which is neutral and non-polar, with threonine, which is neutral and polar, at codon 486 of the PCSK1 protein (p.Ile486Thr).

NM_000439.5(PCSK1):c.1457T>C (p.Ile486Thr)

Genes: CAST (calpastatin; plus strand), PCSK1 (proprotein convertase subtilisin/kexin type 1; minus strand), LOC101929710 (uncharacterized LOC101929710; plus strand). Cytogenetic location: 5q15.
Variant type: single nucleotide variant.
Coding change: c.1457T>C on transcript NM_000439.5 (MANE Select); coding-DNA position 1457, T replaced by C.
Protein change: p.Ile486Thr; replaces isoleucine 486 with threonine.
Molecular consequence: missense variant.
Genome position (GRCh38, 1-based): chr5:96,399,010, A>G on the plus strand (T>C on the coding strand, the complement: PCSK1 is on the minus strand). VCF-style: chr5-96399010-A-G. GRCh37 (hg19) VCF-style: chr5-95734714-A-G.
Other names: c.1316T>C, p.Ile439Thr (NM_001177875.2); short protein forms I439T, I486T.
Identifiers: ClinVar variation 2126787 (VCV002126787.4), dbSNP rs2531455083, ClinGen allele CA360479132.
Genomic context (GRCh38, chr5:96,399,010, plus strand): 5'-TGCTCCAGGGACTTGATAGCATTTTCTTGTCCTTCACAAGCTCTTGTTGGAATTTCAATG[A>G]TAACTTCTCCATTAGCTTTCAGGGCTCTAAATACATTAAAGAATCAGCATTGAATAAAGT-3'
Protein context (NP_000430.3, residues 476-496): PRALKANGEV[Ile486Thr]IEIPTRACEG